The following is an entry in ClinVar:

NM_000548.5(TSC2):c.1802G>C (p.Ser601Thr)

Gene: TSC2 (TSC complex subunit 2; plus strand). Cytogenetic location: 16p13.3.
Variant type: single nucleotide variant.
Coding change: c.1802G>C on transcript NM_000548.5 (MANE Select); coding-DNA position 1802, G replaced by C.
Protein change: p.Ser601Thr; replaces serine 601 with threonine.
Molecular consequence: missense variant.
Genome position (GRCh38, 1-based): chr16:2,070,541, G>C. VCF-style: chr16-2070541-G-C. GRCh37 (hg19) VCF-style: chr16-2120542-G-C.
Other names: c.1655G>C, p.Ser552Thr (NM_001318829.2, NM_001406675.1, NM_001406676.1 and 1 more transcripts); c.1202G>C, p.Ser401Thr (NM_001318831.2, NM_001406680.1, NM_001406682.1 and 6 more transcripts); c.1835G>C, p.Ser612Thr (NM_001318832.2); c.1802G>C, p.Ser601Thr (NM_001363528.2, NM_001370404.1, NM_001370405.1 and 6 more transcripts); c.1892G>C, p.Ser631Thr (NM_001406667.1, NM_001406668.1); c.1691G>C, p.Ser564Thr (NM_001406670.1, NM_001406678.1, NM_001318827.2); c.1790G>C, p.Ser597Thr (NM_001406671.1, NM_001406673.1); c.1745G>C, p.Ser582Thr (NM_001406677.1); and 3 more; short protein forms S153T, S447T, S601T, S401T, S564T, S631T, S67T, S552T.
Identifiers: ClinVar variation 1780429 (VCV001780429.2), dbSNP rs2151281011, ClinGen allele CA394272951.

ClinVar aggregate classification (germline): Uncertain significance (1 of 4 stars; one submission).

Conditions:
Hereditary cancer-predisposing syndrome. Also called: Neoplastic Syndromes, Hereditary; Tumor predisposition; Hereditary Cancer Syndrome; Hereditary neoplastic syndrome. Identifiers: Orphanet 140162, MedGen C0027672, MeSH D009386, MONDO:0015356.

Submission:

Ambry Genetics
Classification: Uncertain significance for Hereditary cancer-predisposing syndrome. Last evaluated: 2021-07-22. Review status: criteria provided, single submitter. Criteria: Ambry Variant Classification Scheme 2023. Collection method: clinical testing. Allele origin: germline.
Comment: The p.S601T variant (also known as c.1802G>C), located in coding exon 16 of the TSC2 gene, results from a G to C substitution at nucleotide position 1802. The serine at codon 601 is replaced by threonine, an amino acid with similar properties. This amino acid position is poorly conserved in available vertebrate species. In addition, this alteration is predicted to be tolerated by in silico analysis. Since supporting evidence is limited at this time, the clinical significance of this alteration remains unclear.